The following is an entry in ClinVar:

NM_015662.3(IFT172):c.3951+8C>T

Genes: IFT172 (intraflagellar transport 172; minus strand), LOC126806173 (BRD4-independent group 4 enhancer GRCh37_chr2:27676057-27677256; plus strand). Cytogenetic location: 2p23.3.
Variant type: single nucleotide variant.
Coding change: c.3951+8C>T on transcript NM_015662.3 (MANE Select); 8 bases into the intron after coding-DNA position 3951, C replaced by T.
Molecular consequence: intron variant.
Genome position (GRCh38, 1-based): chr2:27,453,376, G>A on the plus strand (C>T on the coding strand, the complement: IFT172 is on the minus strand). VCF-style: chr2-27453376-G-A. GRCh37 (hg19) VCF-style: chr2-27676243-G-A.
Other names: c.3951+8C>T (NM_015662.2); c.3885+8C>T (NM_001410739.1).
Identifiers: ClinVar variation 2926818 (VCV002926818.4), dbSNP rs778266153, ClinGen allele CA1579811.
Genomic context (GRCh38, chr2:27,453,376, plus strand): 5'-AGAAGCAGAGCCAAGTGTGAATAGAGGCCTAGGGAGAAGGAGGGCCAGAAAGGGCCTGCT[G>A]TCCTCACCTTCATCCAGCACTTCTCCGCCAGGCCGCTGTTTCCAGAGTCTCGCACTTTGA-3'

ClinVar aggregate classification (germline): Likely benign. Review status: criteria provided, single submitter (1 of 4 stars). 2 submissions from 2 submitters: Likely benign (1). 1 of the submissions does not count toward it. Last evaluated 2024-09-22.

Conditions:
Retinitis pigmentosa 71 (RP71). Identifiers: Orphanet 791, MedGen C4225342, MONDO:0014618, OMIM 616394.
Short-rib thoracic dysplasia 10 with or without polydactyly (SRTD10). Identifiers: Orphanet 474, MedGen C3810175, MONDO:0014284, OMIM 615630.
IFT172-related disorder. Also called: IFT172-related disorders; IFT172-related condition.

Allele frequency attached by ClinVar (database versions not stated): gnomAD exomes below 0.00001; ExAC 0.00001; gnomAD 0.00001; TOPMed 0.00001.
gnomAD v4.1: 9 of 1,614,080 alleles (0.00056%); highest among the groups gnomAD compares: Non-Finnish European, 0.00068%; no homozygotes.

Submissions (2):

Labcorp Genetics (formerly Invitae), Labcorp
Classification: Likely benign for Retinitis pigmentosa 71; Short-rib thoracic dysplasia 10 with or without polydactyly. Last evaluated: 2024-09-22. Review status: criteria provided, single submitter. Criteria: Invitae Variant Classification Sherloc (09022015). Collection method: clinical testing. Allele origin: germline.

PreventionGenetics, part of Exact Sciences
Classification: Likely benign for IFT172-related condition. Last evaluated: 2021-12-10. Review status: no assertion criteria provided. Collection method: clinical testing. Allele origin: germline. Not counted in ClinVar's aggregate classification.
Comment: This variant is classified as likely benign based on ACMG/AMP sequence variant interpretation guidelines (Richards et al. 2015 PMID: 25741868, with internal and published modifications).